The following is an entry in ClinVar:

NM_001204.7(BMPR2):c.121C>G (p.Gln41Glu)

Gene: BMPR2 (bone morphogenetic protein receptor type 2; plus strand). Cytogenetic location: 2q33.1.
Variant type: single nucleotide variant.
Coding change: c.121C>G on transcript NM_001204.7 (MANE Select); coding-DNA position 121, C replaced by G.
Protein change: p.Gln41Glu; replaces glutamine 41 with glutamic acid.
Molecular consequence: missense variant.
Genome position (GRCh38, 1-based): chr2:202,464,853, C>G. VCF-style: chr2-202464853-C-G. GRCh37 (hg19) VCF-style: chr2-203329576-C-G.
Other names: short protein forms Q41E.
Identifiers: ClinVar variation 4597927 (VCV004597927.1).

ClinVar aggregate classification (germline): Uncertain significance (1 of 4 stars; one submission).

Conditions:
Inborn genetic diseases. Identifiers: MedGen C0950123, MeSH D030342.

Submission:

Ambry Genetics
Classification: Uncertain significance for Inborn genetic diseases. Last evaluated: 2025-11-26. Review status: criteria provided, single submitter. Criteria: Ambry Variant Classification Scheme 2023. Collection method: clinical testing. Allele origin: germline.
Comment: The p.Q41E variant (also known as c.121C>G), located in coding exon 2 of the BMPR2 gene, results from a C to G substitution at nucleotide position 121. The glutamine at codon 41 is replaced by glutamic acid, an amino acid with highly similar properties. This amino acid position is conserved. In addition, the in silico prediction for this alteration is inconclusive. Based on the available evidence, the clinical significance of this variant remains unclear.